The following is an entry in ClinVar:

NM_002907.4(RECQL):c.1216+82G>A

Gene: RECQL (RecQ like helicase; minus strand). Cytogenetic location: 12p12.1.
Variant type: single nucleotide variant.
Coding change: c.1216+82G>A on transcript NM_002907.4 (MANE Select); 82 bases into the intron after coding-DNA position 1216, G replaced by A.
Molecular consequence: intron variant.
Genome position (GRCh38, 1-based): chr12:21,475,386, C>T on the plus strand (G>A on the coding strand, the complement: RECQL is on the minus strand). VCF-style: chr12-21475386-C-T. GRCh37 (hg19) VCF-style: chr12-21628320-C-T.
Other names: c.1216+82G>A (NM_032941.3).
Identifiers: ClinVar variation 679688 (VCV000679688.2), dbSNP rs10841831, ClinGen allele CA13761042.

ClinVar aggregate classification (germline): Benign. Review status: criteria provided, multiple submitters, no conflicts (2 of 4 stars). 2 submissions from 2 submitters: Benign (2). Last evaluated 2018-06-20.

Allele frequency attached by ClinVar (database versions not stated): gnomAD exomes 0.48064; 1000 Genomes Project 0.48682; 1000 Genomes Project 30x 0.48782; gnomAD 0.48941 and 0.49127; TOPMed 0.49204.
gnomAD v4.1: 409,226 of 848,098 alleles (48%); highest among the groups gnomAD compares: East Asian, 56%; 99,214 homozygotes.

Submissions (2):

GeneDx
Classification: Benign. Last evaluated: 2018-06-20. Review status: criteria provided, single submitter. Criteria: GeneDx Variant Classification (06012015). Collection method: clinical testing. Allele origin: germline. Affected: yes.
Comment: This variant is considered likely benign or benign based on one or more of the following criteria: it is a conservative change, it occurs at a poorly conserved position in the protein, it is predicted to be benign by multiple in silico algorithms, and/or has population frequency not consistent with disease.

Breakthrough Genomics
Classification: Benign. Review status: criteria provided, single submitter. Criteria: ACMG Guidelines, 2015. Collection method: not provided. Allele origin: germline. Inheritance: Unknown mechanism. Affected: yes.